The following is an entry in ClinVar:

NM_001369.3(DNAH5):c.10719del (p.Ser3574fs)

Gene: DNAH5 (dynein axonemal heavy chain 5; minus strand). Cytogenetic location: 5p15.2.
Variant type: Deletion.
Coding change: c.10719del on transcript NM_001369.3 (MANE Select); coding-DNA position 10719, one base deleted (T; older notation c.10719delT).
Protein change: p.Ser3574fs; shifts the reading frame from serine 3574.
Molecular consequence: frameshift variant.
Genome position (GRCh38, 1-based): chr5:13,753,386, A deleted on the plus strand (T on the coding strand, the reverse complement: DNAH5 is on the minus strand); the first of 2 consecutive A bases (chr5:13,753,386-13,753,387); deleting either gives the same sequence. VCF-style (leftmost placement, unchanged base first): chr5-13753385-TA-T. GRCh37 (hg19) VCF-style: chr5-13753494-TA-T.
Other names: short protein forms S3574fs.
Identifiers: ClinVar variation 1458248 (VCV001458248.18), dbSNP rs765980788, ClinGen allele CA3202149.

ClinVar aggregate classification (germline): Pathogenic/Likely pathogenic. Review status: criteria provided, multiple submitters, no conflicts (2 of 4 stars). 4 submissions from 4 submitters: Pathogenic (1); Likely pathogenic (3). Last evaluated 2026-04-24.

Conditions:
Primary ciliary dyskinesia. Also called: Ciliary dyskinesia. Identifiers: Orphanet 244, MedGen C0008780, MONDO:0016575, HP:0012265.
DNAH5-related disorders.
Primary ciliary dyskinesia 3. Identifiers: Orphanet 244, MedGen C1837618, MONDO:0012085, OMIM 608644.

Submissions (4):

Clinical Genetics Laboratory, Skane University Hospital Lund
Classification: Likely pathogenic for Primary ciliary dyskinesia 3. Last evaluated: 2026-04-24. Review status: criteria provided, single submitter. Criteria: ACMG Guidelines, 2015. Collection method: clinical testing. Allele origin: germline. Affected: yes.
Comment: DNAH5 (NM_001369.3) c.10719del, p.(Ser3574Valfs*30) represents a single base pair deletion in exon 63 of 79, leading to a frameshift and a premature stop codon, resulting in a truncated protein or loss of protein expression from the allele. DNAH5 c.10719del has not been detected in homozygous individuals in the general population and has previously been reported as pathogenic/likely pathogenic in the ClinVar database (Accession: VCV001458248.15). The variant has been classified as likely pathogenic based on the following ACMG criteria: PVS1, PM2.

Labcorp Genetics (formerly Invitae), Labcorp
Classification: Pathogenic for Primary ciliary dyskinesia. Last evaluated: 2025-05-26. Review status: criteria provided, single submitter. Criteria: Invitae Variant Classification Sherloc (09022015). Collection method: clinical testing. Allele origin: germline.
Comment: This sequence change creates a premature translational stop signal (p.Ser3574Valfs*30) in the DNAH5 gene. It is expected to result in an absent or disrupted protein product. Loss-of-function variants in DNAH5 are known to be pathogenic (PMID: 11788826, 16627867). This variant is present in population databases (rs765980788, gnomAD 0.002%). This variant has not been reported in the literature in individuals affected with DNAH5-related conditions. ClinVar contains an entry for this variant (Variation ID: 1458248). For these reasons, this variant has been classified as Pathogenic.

Fulgent Genetics
Classification: Likely pathogenic for Primary ciliary dyskinesia 3. Last evaluated: 2024-03-27. Review status: criteria provided, single submitter. Criteria: ACMG Guidelines, 2015. Collection method: clinical testing. Allele origin: germline.

Blueprint Genetics
Classification: Likely pathogenic for DNAH5-related disorders. Last evaluated: 2023-12-22. Review status: criteria provided, single submitter. Criteria: ACMG Guidelines, 2015. Collection method: clinical testing. Allele origin: germline. Affected: yes. Observed: 1 variant allele.

Literature cited by the submitters: PubMed 11788826 (cited by Labcorp Genetics (formerly Invitae), Labcorp); PubMed 16627867 (cited by Labcorp Genetics (formerly Invitae), Labcorp).